The following is an entry in ClinVar:

NM_001048174.2(MUTYH):c.209G>C (p.Gly70Ala)

Gene: MUTYH (mutY DNA glycosylase; minus strand). Cytogenetic location: 1p34.1.
Variant type: single nucleotide variant.
Coding change: c.209G>C on transcript NM_001048174.2 (MANE Select); coding-DNA position 209, G replaced by C.
Protein change: p.Gly70Ala; replaces glycine 70 with alanine.
Molecular consequence: missense variant. On other transcripts: 5 prime UTR variant (6), non-coding transcript variant (7).
Genome position (GRCh38, 1-based): chr1:45,333,468, C>G on the plus strand (G>C on the coding strand, the complement: MUTYH is on the minus strand). VCF-style: chr1-45333468-C-G. GRCh37 (hg19) VCF-style: chr1-45799140-C-G.
Other names: c.-68G>C (NM_001293192.2, NM_001293196.2, NM_001407091.1); c.209G>C, p.Gly70Ala (NM_001293195.2, NM_001048171.2, NM_001048173.2 and 6 more transcripts); c.-63G>C (NM_001350650.2, NM_001350651.2, NM_001407082.1); c.212G>C, p.Gly71Ala (NM_001048172.2, NM_001407071.1, NM_001407078.1 and 2 more transcripts); c.284G>C, p.Gly95Ala (NM_001407069.1, NM_012222.3); c.251G>C, p.Gly84Ala (NM_001407073.1, NM_001407083.1, NM_001407085.1); c.125G>C, p.Gly42Ala (NM_001407075.1); c.242G>C, p.Gly81Ala (NM_001407077.1, NM_001293191.2); and 3 more; short protein forms G70A, G77A, G85A, G42A, G71A, G81A, G98A, G84A.
Identifiers: ClinVar variation 4113583 (VCV004113583.1).

ClinVar aggregate classification (germline): Uncertain significance (1 of 4 stars; one submission).

Conditions:
Hereditary cancer-predisposing syndrome. Also called: Hereditary neoplastic syndrome; Neoplastic Syndromes, Hereditary; Tumor predisposition; Hereditary Cancer Syndrome. Identifiers: Orphanet 140162, MedGen C0027672, MeSH D009386, MONDO:0015356.

Submission:

Ambry Genetics
Classification: Uncertain significance for Hereditary cancer-predisposing syndrome. Last evaluated: 2025-08-27. Review status: criteria provided, single submitter. Criteria: Ambry Variant Classification Scheme 2023. Collection method: clinical testing. Allele origin: germline.
Comment: The p.G98A variant (also known as c.293G>C), located in coding exon 3 of the MUTYH gene, results from a G to C substitution at nucleotide position 293. The glycine at codon 98 is replaced by alanine, an amino acid with similar properties. This amino acid position is conserved. In addition, this alteration is predicted to be tolerated by in silico analysis. Based on the available evidence, the clinical significance of this variant remains unclear.